The following is an entry in ClinVar:

NM_024685.4(BBS10):c.1807G>T (p.Gly603Cys)

Gene: BBS10 (Bardet-Biedl syndrome 10; minus strand). Cytogenetic location: 12q21.2.
Variant type: single nucleotide variant.
Coding change: c.1807G>T on transcript NM_024685.4 (MANE Select); coding-DNA position 1807, G replaced by T.
Protein change: p.Gly603Cys; replaces glycine 603 with cysteine.
Molecular consequence: missense variant.
Genome position (GRCh38, 1-based): chr12:76,346,178, C>A on the plus strand (G>T on the coding strand, the complement: BBS10 is on the minus strand). VCF-style: chr12-76346178-C-A. GRCh37 (hg19) VCF-style: chr12-76739958-C-A.
Other names: c.1807G>T (NM_024685.3); short protein forms G603C.
Identifiers: ClinVar variation 2062775 (VCV002062775.5), dbSNP rs756523417, ClinGen allele CA6694101.

ClinVar aggregate classification (germline): Uncertain significance. Review status: criteria provided, multiple submitters, no conflicts (2 of 4 stars). 4 submissions from 4 submitters: Uncertain significance (4). Last evaluated 2026-08-01.

Conditions:
BBS10-related disorder. Also called: BBS10-related condition.
Bardet-Biedl syndrome (BBS). Identifiers: Orphanet 110, MedGen C0752166, MONDO:0015229.
Bardet-Biedl syndrome 10 (BBS10). Identifiers: Orphanet 110, MedGen C1859568, MONDO:0014438, OMIM 615987.

Allele frequency attached by ClinVar (database versions not stated): ExAC 0.00001; TOPMed 0.00003.

Submissions (4):

GeneDx
Classification: Uncertain significance. Last evaluated: 2026-08-01. Review status: criteria provided, single submitter. Criteria: GeneDx Variant Classification Process June 2021. Collection method: clinical testing. Allele origin: germline.
Comment: Not observed at significant frequency in large population cohorts (gnomAD); In silico analysis supports that this missense variant has a deleterious effect on protein structure/function; Has not been previously published as pathogenic or benign to our knowledge

PreventionGenetics, part of Exact Sciences
Classification: Uncertain significance for BBS10-related condition. Last evaluated: 2024-10-28. Review status: criteria provided, single submitter. Criteria: ACMG Guidelines, 2015. Collection method: clinical testing. Allele origin: germline.
Comment: The BBS10 c.1807G>T variant is predicted to result in the amino acid substitution p.Gly603Cys. To our knowledge, this variant has not been reported in the literature. This variant is reported in 0.0062% of alleles in individuals of African descent in gnomAD. At this time, the clinical significance of this variant is uncertain due to the absence of conclusive functional and genetic evidence.

Fulgent Genetics
Classification: Uncertain significance for Bardet-Biedl syndrome 10. Last evaluated: 2024-03-11. Review status: criteria provided, single submitter. Criteria: ACMG Guidelines, 2015. Collection method: clinical testing. Allele origin: germline.

Labcorp Genetics (formerly Invitae), Labcorp
Classification: Uncertain significance for Bardet-Biedl syndrome. Last evaluated: 2021-09-24. Review status: criteria provided, single submitter. Criteria: Invitae Variant Classification Sherloc (09022015). Collection method: clinical testing. Allele origin: germline.
Comment: This sequence change replaces glycine with cysteine at codon 603 of the BBS10 protein (p.Gly603Cys). The glycine residue is highly conserved and there is a large physicochemical difference between glycine and cysteine. This variant is present in population databases (rs756523417, ExAC 0.01%). This variant has not been reported in the literature in individuals with BBS10-related conditions. Algorithms developed to predict the effect of missense changes on protein structure and function (SIFT, PolyPhen-2, Align-GVGD) all suggest that this variant is likely to be disruptive, but these predictions have not been confirmed by published functional studies and their clinical significance is uncertain. In summary, the available evidence is currently insufficient to determine the role of this variant in disease. Therefore, it has been classified as a Variant of Uncertain Significance.